The following is an entry in ClinVar:

ClinVar aggregate classification (germline): Benign/Likely benign. Review status: criteria provided, multiple submitters, no conflicts (2 of 4 stars). 3 submissions from 3 submitters: Benign (1); Likely benign (2). Last evaluated 2026-04-15.

Allele frequency attached by ClinVar (database versions not stated): gnomAD 0.00018 and 0.00019; TOPMed 0.00026; ESP Exome Variant Server 0.00032; gnomAD exomes 0.00044; ExAC 0.00083.

Submissions (3):

Women's Health and Genetics/Laboratory Corporation of America, LabCorp
Classification: Benign. Last evaluated: 2026-04-15. Review status: criteria provided, single submitter. Criteria: LabCorp Variant Classification Summary - May 2015. Collection method: clinical testing. Allele origin: germline.

CeGaT Center for Human Genetics Tuebingen
Classification: Likely benign. Last evaluated: 2025-10-01. Review status: criteria provided, single submitter. Criteria: CeGaT Center For Human Genetics Tuebingen Variant Classification Criteria Version 2. Collection method: clinical testing. Allele origin: germline. Affected: yes. Observed: 3 variant alleles.
Comment: C1R: BP4, BP7

Breakthrough Genomics
Classification: Likely benign. Review status: criteria provided, single submitter. Criteria: ACMG Guidelines, 2015. Collection method: not provided. Allele origin: germline. Inheritance: Autosomal dominant inheritance. Affected: yes.

NM_001733.7(C1R):c.969C>T (p.Asn323=)

Gene: C1R (complement C1r; minus strand). Cytogenetic location: 12p13.31.
Variant type: single nucleotide variant.
Coding change: c.969C>T on transcript NM_001733.7 (MANE Select); coding-DNA position 969, C replaced by T.
Protein change: p.Asn323=; no amino-acid change (asparagine 323 retained).
Molecular consequence: synonymous variant.
Genome position (GRCh38, 1-based): chr12:7,088,679, G>A on the plus strand (C>T on the coding strand, the complement: C1R is on the minus strand). VCF-style: chr12-7088679-G-A. GRCh37 (hg19) VCF-style: chr12-7241275-G-A.
Other names: c.1011C>T, p.Asn337= (NM_001354346.2).
Identifiers: ClinVar variation 1012818 (VCV001012818.40), dbSNP rs36182532, ClinGen allele CA6424064.